The following is an entry in ClinVar:

NM_001276270.2(MBD4):c.788A>G (p.Lys263Arg)

Gene: MBD4 (methyl-CpG binding domain 4, DNA glycosylase; minus strand). Cytogenetic location: 3q21.3.
Variant type: single nucleotide variant.
Coding change: c.788A>G on transcript NM_001276270.2 (MANE Select); coding-DNA position 788, A replaced by G.
Protein change: p.Lys263Arg; replaces lysine 263 with arginine.
Molecular consequence: missense variant. On other transcripts: intron variant (1).
Genome position (GRCh38, 1-based): chr3:129,436,856, T>C on the plus strand (A>G on the coding strand, the complement: MBD4 is on the minus strand). VCF-style: chr3-129436856-T-C. GRCh37 (hg19) VCF-style: chr3-129155699-T-C.
Other names: c.788A>G, p.Lys263Arg (NM_001276271.2, NM_001276272.2, NM_003925.3); c.247+952A>G (NM_001276273.2); short protein forms K263R.
Identifiers: ClinVar variation 4859559 (VCV004859559.1).
Genomic context (GRCh38, chr3:129,436,856, plus strand): 5'-TGACTTTTTTGTGCAACAGGTTCACTTTCAGCATCTGCTTTATTACACACAGATTCTCTT[T>C]TGCTATCACTTTGAACAAAACCTGAACAGCTCTTCCTACATCCTTTTTTAGTTTTCTTAA-3'
Protein context (NP_001263199.1, residues 253-273): SCSGFVQSDS[Lys263Arg]RESVCNKADA

ClinVar aggregate classification (germline): Uncertain significance (1 of 4 stars; one submission).

Conditions:
Inborn genetic diseases. Identifiers: MedGen C0950123, MeSH D030342.

gnomAD v4.1: 2 of 1,614,180 alleles (0.00012%); highest among the groups gnomAD compares: Non-Finnish European, 0.000085%; no homozygotes.

Submission:

Ambry Genetics
Classification: Uncertain significance for Inborn genetic diseases. Last evaluated: 2026-03-19. Review status: criteria provided, single submitter. Criteria: Ambry Variant Classification Scheme 2023. Collection method: clinical testing. Allele origin: germline.
Comment: The p.K263R variant (also known as c.788A>G), located in coding exon 3 of the MBD4 gene, results from an A to G substitution at nucleotide position 788. The lysine at codon 263 is replaced by arginine, an amino acid with highly similar properties. This amino acid position is conserved. In addition, the in silico prediction for this alteration is inconclusive. Based on the available evidence, the clinical significance of this variant remains unclear.